The following is an entry in ClinVar:

NM_004531.5(MOCS2):c.433G>C (p.Ala145Pro)

Gene: MOCS2 (molybdenum cofactor synthesis 2; minus strand). Cytogenetic location: 5q11.2.
Variant type: single nucleotide variant.
Coding change: c.433G>C on transcript NM_004531.5 (MANE Select); coding-DNA position 433, G replaced by C.
Protein change: p.Ala145Pro; replaces alanine 145 with proline.
Molecular consequence: missense variant. On other transcripts: 3 prime UTR variant (1).
Genome position (GRCh38, 1-based): chr5:53,100,479, C>G on the plus strand (G>C on the coding strand, the complement: MOCS2 is on the minus strand). VCF-style: chr5-53100479-C-G. GRCh37 (hg19) VCF-style: chr5-52396309-C-G.
Other names: c.*353G>C (NM_176806.4); short protein forms A145P.
Identifiers: ClinVar variation 1521762 (VCV001521762.5), dbSNP rs150503623, ClinGen allele CA3263616.

ClinVar aggregate classification (germline): Uncertain significance (1 of 4 stars; one submission).

Allele frequency attached by ClinVar (database versions not stated): gnomAD exomes below 0.00001 and 0.00001; ExAC 0.00001; gnomAD 0.00001; TOPMed 0.00002; ESP Exome Variant Server 0.00008; 1000 Genomes Project 0.00020; 1000 Genomes Project 30x 0.00031.
gnomAD v4.1: 4 of 1,613,778 alleles (0.00025%); highest among the groups gnomAD compares: African/African-American, 0.0053%; no homozygotes.

Submission:

Labcorp Genetics (formerly Invitae), Labcorp
Classification: Uncertain significance. Last evaluated: 2022-08-23. Review status: criteria provided, single submitter. Criteria: Invitae Variant Classification Sherloc (09022015). Collection method: clinical testing. Allele origin: germline.
Comment: This sequence change replaces alanine, which is neutral and non-polar, with proline, which is neutral and non-polar, at codon 145 of the MOCS2B protein (p.Ala145Pro). This variant is present in population databases (rs150503623, gnomAD 0.02%). This variant has not been reported in the literature in individuals affected with MOCS2B-related conditions. ClinVar contains an entry for this variant (Variation ID: 1521762). Algorithms developed to predict the effect of missense changes on protein structure and function (SIFT, PolyPhen-2, Align-GVGD) all suggest that this variant is likely to be tolerated. In summary, the available evidence is currently insufficient to determine the role of this variant in disease. Therefore, it has been classified as a Variant of Uncertain Significance.